The following is an entry in ClinVar:

ClinVar aggregate classification (germline): Uncertain significance (1 of 4 stars; one submission).

gnomAD v4.1: 15 of 1,612,324 alleles (0.00093%); highest among the groups gnomAD compares: Non-Finnish European, 0.0013%; no homozygotes.

Submission:

Labcorp Genetics (formerly Invitae), Labcorp
Classification: Uncertain significance. Last evaluated: 2024-08-15. Review status: criteria provided, single submitter. Criteria: Invitae Variant Classification Sherloc (09022015). Collection method: clinical testing. Allele origin: germline.
Comment: This sequence change replaces glycine, which is neutral and non-polar, with arginine, which is basic and polar, at codon 411 of the CASZ1 protein (p.Gly411Arg). This variant is present in population databases (rs746340050, gnomAD 0.002%). This variant has not been reported in the literature in individuals affected with CASZ1-related conditions. An algorithm developed to predict the effect of missense changes on protein structure and function (PolyPhen-2) suggests that this variant is likely to be disruptive. In summary, the available evidence is currently insufficient to determine the role of this variant in disease. Therefore, it has been classified as a Variant of Uncertain Significance.

NM_001079843.3(CASZ1):c.1231G>C (p.Gly411Arg)

Gene: CASZ1 (castor zinc finger 1; minus strand). Cytogenetic location: 1p36.22.
Variant type: single nucleotide variant.
Coding change: c.1231G>C on transcript NM_001079843.3 (MANE Select); coding-DNA position 1231, G replaced by C.
Protein change: p.Gly411Arg; replaces glycine 411 with arginine.
Molecular consequence: missense variant.
Genome position (GRCh38, 1-based): chr1:10,659,811, C>G on the plus strand (G>C on the coding strand, the complement: CASZ1 is on the minus strand). VCF-style: chr1-10659811-C-G. GRCh37 (hg19) VCF-style: chr1-10719868-C-G.
Other names: c.1231G>C, p.Gly411Arg (NM_017766.5); short protein forms G411R.
Identifiers: ClinVar variation 3716475 (VCV003716475.2).
Genomic context (GRCh38, chr1:10,659,811, plus strand): 5'-TTGACTTCAGGTACTCGGGAGTGTTGAAGGACAGGGAGGCAGGAGGCTCTGGCCCTGGCC[C>G]GGGGGCGCTGGGGGCACTGGGCACGCTGGCGAGGGGTGCGGGAGCCAGGCTGGGGGTGGG-3'
Protein context (NP_001073312.1, residues 401-421): ASVPSAPSAP[Gly411Arg]PGPEPPASLS